The following is an entry in ClinVar:

ClinVar aggregate classification (germline): Uncertain significance. Review status: criteria provided, multiple submitters, no conflicts (2 of 4 stars). 4 submissions from 4 submitters: Uncertain significance (4). Last evaluated 2024-04-10.

Conditions:
Familial thoracic aortic aneurysm and aortic dissection (TAAD). Also called: Thoracic aortic aneurysms and dissections. Identifiers: Orphanet 91387, MedGen C4707243, MONDO:0019625.
Ehlers-Danlos syndrome, kyphoscoliotic type 1 (EDSKSCL1). Also called: EHLERS-DANLOS SYNDROME, TYPE VIA; EHLERS-DANLOS SYNDROME, OCULAR-SCOLIOTIC TYPE; Ehlers-Danlos syndrome, hydroxylysine-deficient; PLOD1-Related Kyphoscoliotic Ehlers-Danlos Syndrome. Identifiers: Orphanet 1900, MedGen C0268342, MONDO:0016002, OMIM 225400. Disease mechanism: loss of function.

Allele frequency attached by ClinVar (database versions not stated): ExAC 0.00001; gnomAD exomes 0.00002 and 0.00004; TOPMed 0.00002; gnomAD 0.00003.
gnomAD v4.1: 58 of 1,613,978 alleles (0.0036%); highest among the groups gnomAD compares: Non-Finnish European, 0.0047%; no homozygotes.

Submissions (4):

GeneDx
Classification: Uncertain significance. Last evaluated: 2024-04-10. Review status: criteria provided, single submitter. Criteria: GeneDx Variant Classification Process June 2021. Collection method: clinical testing. Allele origin: germline. Affected: yes.
Comment: Not observed at significant frequency in large population cohorts (gnomAD); In silico analysis supports that this missense variant has a deleterious effect on protein structure/function; Has not been previously published as pathogenic or benign to our knowledge

Ambry Genetics
Classification: Uncertain significance for Familial thoracic aortic aneurysm and aortic dissection. Last evaluated: 2023-01-30. Review status: criteria provided, single submitter. Criteria: Ambry Variant Classification Scheme 2023. Collection method: clinical testing. Allele origin: germline.
Comment: The p.D103N variant (also known as c.307G>A), located in coding exon 4 of the PLOD1 gene, results from a G to A substitution at nucleotide position 307. The aspartic acid at codon 103 is replaced by asparagine, an amino acid with highly similar properties. This amino acid position is highly conserved in available vertebrate species. In addition, this alteration is predicted to be tolerated by in silico analysis. Since supporting evidence is limited at this time, the clinical significance of this alteration remains unclear.

Labcorp Genetics (formerly Invitae), Labcorp
Classification: Uncertain significance for Ehlers-Danlos syndrome, kyphoscoliotic type 1. Last evaluated: 2022-08-22. Review status: criteria provided, single submitter. Criteria: Invitae Variant Classification Sherloc (09022015). Collection method: clinical testing. Allele origin: germline.
Comment: This sequence change replaces aspartic acid, which is acidic and polar, with asparagine, which is neutral and polar, at codon 103 of the PLOD1 protein (p.Asp103Asn). This variant is present in population databases (rs774590964, gnomAD 0.005%). This variant has not been reported in the literature in individuals affected with PLOD1-related conditions. ClinVar contains an entry for this variant (Variation ID: 432397). Algorithms developed to predict the effect of missense changes on protein structure and function are either unavailable or do not agree on the potential impact of this missense change (SIFT: "Deleterious"; PolyPhen-2: "Possibly Damaging"; Align-GVGD: "Class C0"). In summary, the available evidence is currently insufficient to determine the role of this variant in disease. Therefore, it has been classified as a Variant of Uncertain Significance.

Fulgent Genetics
Classification: Uncertain significance for Ehlers-Danlos syndrome, kyphoscoliotic type 1. Last evaluated: 2021-07-11. Review status: criteria provided, single submitter. Criteria: ACMG Guidelines, 2015. Collection method: clinical testing. Allele origin: unknown.

NM_000302.4(PLOD1):c.307G>A (p.Asp103Asn)

Gene: PLOD1 (procollagen-lysine,2-oxoglutarate 5-dioxygenase 1; plus strand). Cytogenetic location: 1p36.22.
Variant type: single nucleotide variant.
Coding change: c.307G>A on transcript NM_000302.4 (MANE Select); coding-DNA position 307, G replaced by A.
Protein change: p.Asp103Asn; replaces aspartic acid 103 with asparagine.
Molecular consequence: missense variant.
Genome position (GRCh38, 1-based): chr1:11,950,361, G>A. VCF-style: chr1-11950361-G-A. GRCh37 (hg19) VCF-style: chr1-12010418-G-A.
Other names: c.448G>A, p.Asp150Asn (NM_001316320.2); short protein forms D103N, D150N.
Identifiers: ClinVar variation 432397 (VCV000432397.14), dbSNP rs774590964, ClinGen allele CA597870.